The following is an entry in ClinVar:

ClinVar aggregate classification (germline): Uncertain significance. Review status: criteria provided, single submitter (1 of 4 stars). 2 submissions from 2 submitters: Uncertain significance (1). 1 of the submissions does not count toward it. Last evaluated 2024-12-02.

Conditions:
Usher syndrome type 1 (USH1). Also called: RETINITIS PIGMENTOSA AND CONGENITAL DEAFNESS. Identifiers: Orphanet 231169, Orphanet 886, MedGen C1568247, MONDO:0010168, OMIM 276900.

Allele frequency attached by ClinVar (database versions not stated): gnomAD exomes below 0.00001 and 0.00003; gnomAD 0.00002; ExAC 0.00005; TOPMed 0.00001.
gnomAD v4.1: 8 of 1,599,636 alleles (0.0005%); highest among the groups gnomAD compares: Admixed American, 0.012%; no homozygotes.

Submissions (2):

Labcorp Genetics (formerly Invitae), Labcorp
Classification: Uncertain significance. Last evaluated: 2024-12-02. Review status: criteria provided, single submitter. Criteria: Invitae Variant Classification Sherloc (09022015). Collection method: clinical testing. Allele origin: germline.
Comment: This sequence change replaces isoleucine, which is neutral and non-polar, with threonine, which is neutral and polar, at codon 1937 of the CDH23 protein (p.Ile1937Thr). This variant is present in population databases (rs746883593, gnomAD 0.02%). This variant has not been reported in the literature in individuals affected with CDH23-related conditions. ClinVar contains an entry for this variant (Variation ID: 853462). Invitae Evidence Modeling of protein sequence and biophysical properties (such as structural, functional, and spatial information, amino acid conservation, physicochemical variation, residue mobility, and thermodynamic stability) has been performed for this missense variant. However, the output from this modeling did not meet the statistical confidence thresholds required to predict the impact of this variant on CDH23 protein function. In summary, the available evidence is currently insufficient to determine the role of this variant in disease. Therefore, it has been classified as a Variant of Uncertain Significance.

Natera, Inc.
Classification: Uncertain significance for Usher syndrome type 1. Last evaluated: 2020-01-24. Review status: no assertion criteria provided. Collection method: clinical testing. Allele origin: germline. Not counted in ClinVar's aggregate classification.

NM_022124.6(CDH23):c.5810T>C (p.Ile1937Thr)

Gene: CDH23 (cadherin related 23; plus strand). Cytogenetic location: 10q22.1.
Variant type: single nucleotide variant.
Coding change: c.5810T>C on transcript NM_022124.6 (MANE Select); coding-DNA position 5810, T replaced by C.
Protein change: p.Ile1937Thr; replaces isoleucine 1937 with threonine.
Molecular consequence: missense variant.
Genome position (GRCh38, 1-based): chr10:71,785,728, T>C. VCF-style: chr10-71785728-T-C. GRCh37 (hg19) VCF-style: chr10-73545485-T-C.
Other names: short protein forms I1937T.
Identifiers: ClinVar variation 853462 (VCV000853462.8), dbSNP rs746883593, ClinGen allele CA5545881.